The following is an entry in ClinVar:

ClinVar aggregate classification (germline): Likely benign. Review status: criteria provided, multiple submitters, no conflicts (2 of 4 stars). 3 submissions from 3 submitters: Likely benign (3). Last evaluated 2026-10-01.

Allele frequency attached by ClinVar (database versions not stated): gnomAD 0.00373 and 0.00356; gnomAD exomes 0.00391 and 0.00523; ESP Exome Variant Server 0.00446; ExAC 0.00455; 1000 Genomes Project 30x 0.00219; 1000 Genomes Project 0.00220; TOPMed 0.00352.
gnomAD v4.1: 8,128 of 1,614,096 alleles (0.5%); highest among the groups gnomAD compares: Non-Finnish European, 0.62%; 31 homozygotes.

Submissions (3):

CeGaT Center for Human Genetics Tuebingen
Classification: Likely benign. Last evaluated: 2026-10-01. Review status: criteria provided, single submitter. Criteria: CeGaT Center For Human Genetics Tuebingen Variant Classification Criteria Version 2. Collection method: clinical testing. Allele origin: germline. Affected: yes. Observed: 16 variant alleles.
Comment: LXN: BS2; GFM1: BS2

Labcorp Genetics (formerly Invitae), Labcorp
Classification: Likely benign. Last evaluated: 2018-08-02. Review status: criteria provided, single submitter. Criteria: Invitae Variant Classification Sherloc (09022015). Collection method: clinical testing. Allele origin: germline.

Breakthrough Genomics
Classification: Likely benign. Review status: criteria provided, single submitter. Criteria: ACMG Guidelines, 2015. Collection method: not provided. Allele origin: germline. Inheritance: Unknown mechanism. Affected: yes.

NM_020169.4(LXN):c.46G>A (p.Val16Met)

Genes: GFM1 (G elongation factor mitochondrial 1; plus strand), LXN (latexin; minus strand). Cytogenetic location: 3q25.32.
Variant type: single nucleotide variant.
Coding change: c.46G>A on transcript NM_020169.4 (MANE Select); coding-DNA position 46, G replaced by A.
Protein change: p.Val16Met; replaces valine 16 with methionine.
Molecular consequence: missense variant. On other transcripts: intron variant (10).
Genome position (GRCh38, 1-based): chr3:158,672,433, C>T on the plus strand (G>A on the coding strand, the complement: LXN is on the minus strand). VCF-style: chr3-158672433-C-T. GRCh37 (hg19) VCF-style: chr3-158390222-C-T.
Other names: c.1658+6047C>T (NM_001308164.2); c.1601+6047C>T (NM_024996.7, NM_001308166.2); c.1376+6047C>T (NM_001374357.1); c.1520+6047C>T (NM_001374355.1); c.1484+6047C>T (NM_001374356.1); c.1034+6047C>T (NM_001374359.1, NM_001374360.1); c.917+6047C>T (NM_001374361.1); c.1142+6047C>T (NM_001374358.1); short protein forms V16M.
Identifiers: ClinVar variation 777145 (VCV000777145.27), dbSNP rs116725077, ClinGen allele CA2682923.